The following is an entry in ClinVar:

NM_001378030.1(CCDC78):c.50G>C (p.Arg17Pro)

Gene: CCDC78 (coiled-coil domain containing 78; minus strand). Cytogenetic location: 16p13.3.
Variant type: single nucleotide variant.
Coding change: c.50G>C on transcript NM_001378030.1 (MANE Select); coding-DNA position 50, G replaced by C.
Protein change: p.Arg17Pro; replaces arginine 17 with proline.
Molecular consequence: missense variant. On other transcripts: non-coding transcript variant (3), intron variant (1).
Genome position (GRCh38, 1-based): chr16:726,318, C>G on the plus strand (G>C on the coding strand, the complement: CCDC78 is on the minus strand). VCF-style: chr16-726318-C-G. GRCh37 (hg19) VCF-style: chr16-776318-C-G.
Other names: c.50G>C, p.Arg17Pro (NM_001031737.3, NM_001378031.1); c.-225-233G>C (NM_001378033.1); short protein forms R17P.
Identifiers: ClinVar variation 1958692 (VCV001958692.5), dbSNP rs1046402338, ClinGen allele CA276521183.

ClinVar aggregate classification (germline): Uncertain significance (1 of 4 stars; one submission).

Conditions:
Congenital myopathy with internal nuclei and atypical cores. Also called: Myopathy, centronuclear, 4. Identifiers: Orphanet 319160, MedGen C4707232, MONDO:0013890, OMIM 614807.

Submission:

Labcorp Genetics (formerly Invitae), Labcorp
Classification: Uncertain significance for Congenital myopathy with internal nuclei and atypical cores. Last evaluated: 2023-05-15. Review status: criteria provided, single submitter. Criteria: Invitae Variant Classification Sherloc (09022015). Collection method: clinical testing. Allele origin: germline.
Comment: This sequence change replaces arginine, which is basic and polar, with proline, which is neutral and non-polar, at codon 17 of the CCDC78 protein (p.Arg17Pro). This variant is not present in population databases (gnomAD no frequency). This variant has not been reported in the literature in individuals affected with CCDC78-related conditions. ClinVar contains an entry for this variant (Variation ID: 1958692). In summary, the available evidence is currently insufficient to determine the role of this variant in disease. Therefore, it has been classified as a Variant of Uncertain Significance. Advanced modeling of protein sequence and biophysical properties (such as structural, functional, and spatial information, amino acid conservation, physicochemical variation, residue mobility, and thermodynamic stability) performed at Invitae indicates that this missense variant is not expected to disrupt CCDC78 protein function.